The following is an entry in ClinVar:

NM_147127.5(EVC2):c.121C>A (p.Pro41Thr)

Gene: EVC2 (EvC ciliary complex subunit 2; minus strand). Cytogenetic location: 4p16.2.
Variant type: single nucleotide variant.
Coding change: c.121C>A on transcript NM_147127.5 (MANE Select); coding-DNA position 121, C replaced by A.
Protein change: p.Pro41Thr; replaces proline 41 with threonine.
Molecular consequence: missense variant. On other transcripts: intron variant (1).
Genome position (GRCh38, 1-based): chr4:5,708,393, G>T on the plus strand (C>A on the coding strand, the complement: EVC2 is on the minus strand). VCF-style: chr4-5708393-G-T. GRCh37 (hg19) VCF-style: chr4-5710120-G-T.
Other names: c.-13+436C>A (NM_001166136.2); short protein forms P41T.
Identifiers: ClinVar variation 2927260 (VCV002927260.3), dbSNP rs1401633069, ClinGen allele CA356154752.

ClinVar aggregate classification (germline): Uncertain significance (1 of 4 stars; one submission).

Conditions:
Curry-Hall syndrome (WAD). Also called: WEYERS ACRODENTAL DYSOSTOSIS. Identifiers: Orphanet 952, MedGen C0457013, MONDO:0008673, OMIM 193530.
Ellis-van Creveld syndrome (EVC). Also called: EVC-Related Ellis-van Creveld Syndrome; EVC2-Related Ellis-van Creveld Syndrome; MESOECTODERMAL DYSPLASIA; Chondroectodermal dysplasia. Identifiers: Orphanet 289, MedGen C0013903, MONDO:0009162, OMIM 225500.

gnomAD v4.1: 2 of 1,496,468 alleles (0.00013%); highest among the groups gnomAD compares: Admixed American, 0.0043%; no homozygotes.

Submission:

Labcorp Genetics (formerly Invitae), Labcorp
Classification: Uncertain significance for Curry-Hall syndrome; Ellis-van Creveld syndrome. Last evaluated: 2023-02-22. Review status: criteria provided, single submitter. Criteria: Invitae Variant Classification Sherloc (09022015). Collection method: clinical testing. Allele origin: germline.
Comment: In summary, the available evidence is currently insufficient to determine the role of this variant in disease. Therefore, it has been classified as a Variant of Uncertain Significance. An algorithm developed to predict the effect of missense changes on protein structure and function (PolyPhen-2) suggests that this variant is likely to be tolerated. This variant has not been reported in the literature in individuals affected with EVC2-related conditions. This variant is not present in population databases (gnomAD no frequency). This sequence change replaces proline, which is neutral and non-polar, with threonine, which is neutral and polar, at codon 41 of the EVC2 protein (p.Pro41Thr).